The following is an entry in ClinVar:

NM_000719.7(CACNA1C):c.2486A>T (p.Asn829Ile)

Gene: CACNA1C (calcium voltage-gated channel subunit alpha1 C; plus strand). Cytogenetic location: 12p13.33.
Variant type: single nucleotide variant.
Coding change: c.2486A>T on transcript NM_000719.7 (MANE Select); coding-DNA position 2486, A replaced by T.
Protein change: p.Asn829Ile; replaces asparagine 829 with isoleucine.
Molecular consequence: missense variant.
Genome position (GRCh38, 1-based): chr12:2,585,860, A>T. VCF-style: chr12-2585860-A-T. GRCh37 (hg19) VCF-style: chr12-2695026-A-T.
Other names: c.2486A>T, p.Asn829Ile (NM_001129827.2, NM_001129829.2, NM_001129830.3 and 18 more transcripts); c.2477A>T, p.Asn826Ile (NM_001129844.2); short protein forms N826I, N829I.
Identifiers: ClinVar variation 2179016 (VCV002179016.2), dbSNP rs773015884, ClinGen allele CA383371939.

ClinVar aggregate classification (germline): Uncertain significance (1 of 4 stars; one submission).

Conditions:
Long QT syndrome (LQTS). Identifiers: MedGen C0023976, MeSH D008133, MONDO:0002442. Disease mechanism: loss of function. Inheritance: Various modes of inheritance.

gnomAD v4.1: 2 of 1,609,326 alleles (0.00012%); highest among the groups gnomAD compares: Non-Finnish European, 0.00017%; no homozygotes.

Submission:

Labcorp Genetics (formerly Invitae), Labcorp
Classification: Uncertain significance for Long QT syndrome. Last evaluated: 2022-08-05. Review status: criteria provided, single submitter. Criteria: Invitae Variant Classification Sherloc (09022015). Collection method: clinical testing. Allele origin: germline.
Comment: In summary, the available evidence is currently insufficient to determine the role of this variant in disease. Therefore, it has been classified as a Variant of Uncertain Significance. Algorithms developed to predict the effect of missense changes on protein structure and function are either unavailable or do not agree on the potential impact of this missense change (SIFT: "Deleterious"; PolyPhen-2: "Benign"; Align-GVGD: "Class C0"). This variant has not been reported in the literature in individuals affected with CACNA1C-related conditions. This variant is present in population databases (no rsID available, gnomAD 0.0009%). This sequence change replaces asparagine, which is neutral and polar, with isoleucine, which is neutral and non-polar, at codon 829 of the CACNA1C protein (p.Asn829Ile).